The following is an entry in ClinVar:

NC_000011.10:g.(?_108267161)_(108365518_?)del

Genes: ATM (ATM serine/threonine kinase; plus strand), C11orf65 (chromosome 11 open reading frame 65; minus strand), LOC128772356 (melanoma risk locus-associated MPRA allelic enhancer 11:108140516; plus strand), LOC129390354 (MPRA-validated peak1451 silencer; plus strand). Cytogenetic location: 11q22.3.
Variant type: Deletion.
Identifiers: ClinVar variation 649625 (VCV000649625.2).

ClinVar aggregate classification (germline): Pathogenic (1 of 4 stars; one submission).

Conditions:
Ataxia-telangiectasia syndrome (AT). Also called: ATAXIA-TELANGIECTASIA, FRESNO VARIANT; Ataxia-telangiectasia, complementation group E; Ataxia telangiectasia (A-T); Cerebello-oculocutaneous telangiectasia; Immunodeficiency with ataxia telangiectasia; LOUIS-BAR SYNDROME. Identifiers: Orphanet 100, MedGen C0004135, MONDO:0008840, OMIM 208900.

Submission:

Labcorp Genetics (formerly Invitae), Labcorp
Classification: Pathogenic for Ataxia-telangiectasia syndrome. Last evaluated: 2019-01-03. Review status: criteria provided, single submitter. Criteria: Invitae Variant Classification Sherloc (09022015). Collection method: clinical testing. Allele origin: germline.
Comment: This variant is a gross deletion of the genomic region encompassing exons 17-63 of the ATM gene. The 5' boundary is likely confined to intron 16. The 3' end of this event is unknown as it extends through the termination codon beyond the assayed region for this gene and may encompass additional genes. While this deletion is not anticipated to result in nonsense mediated decay, it is expected to create a truncated protein product or disrupt mRNA translation. Deletion of exons 17-63 has not been reported in the literature in individuals with ATM-related disease. This gross deletion eliminates the last 2,234 amino acid residues of the ATM protein, including the FAT, PI3/4 kinase, and FATC or PIK-related kinase domains, which are crucial for the proper function of the ATM protein (PMID: 23532176, 25460276, 19781682). In addition, several downstream gross deletions encompassing exons 38-63, exons 46-63, exons 57-63 and exons 62-63 of ATM have been reported in individuals with ataxia-telangiectasia, and determined to be pathogenic (PMID: 25614872, 23807571, 9443866, 25614872). This suggests that deletion of this region of the ATM protein is causative of disease. For these reasons, this variant has been classified as Pathogenic.

Literature cited by the submitters: PubMed 23532176; PubMed 9443866; PubMed 25614872; PubMed 23807571; PubMed 19781682; PubMed 25460276.